The following is an entry in ClinVar:

ClinVar aggregate classification (germline): Uncertain significance (1 of 4 stars; one submission).

Conditions:
Marfan syndrome (MFS). Also called: MARFAN SYNDROME, TYPE I; Marfan syndrome type 1; Marfan's syndrome; Marfan syndrome, classic; FBN1-Related Marfan Syndrome. Identifiers: Orphanet 284963, Orphanet 558, MedGen C0024796, MONDO:0007947, OMIM 154700.
Familial thoracic aortic aneurysm and aortic dissection (TAAD). Also called: Thoracic aortic aneurysms and dissections. Identifiers: Orphanet 91387, MedGen C4707243, MONDO:0019625.

Submission:

Labcorp Genetics (formerly Invitae), Labcorp
Classification: Uncertain significance for Marfan syndrome; Familial thoracic aortic aneurysm and aortic dissection. Last evaluated: 2025-01-13. Review status: criteria provided, single submitter. Criteria: Invitae Variant Classification Sherloc (09022015). Collection method: clinical testing. Allele origin: germline.
Comment: This sequence change replaces phenylalanine, which is neutral and non-polar, with valine, which is neutral and non-polar, at codon 235 of the FBN1 protein (p.Phe235Val). This variant is not present in population databases (gnomAD no frequency). This variant has not been reported in the literature in individuals affected with FBN1-related conditions. Invitae Evidence Modeling of protein sequence and biophysical properties (such as structural, functional, and spatial information, amino acid conservation, physicochemical variation, residue mobility, and thermodynamic stability) indicates that this missense variant is expected to disrupt FBN1 protein function with a positive predictive value of 95%. In summary, the available evidence is currently insufficient to determine the role of this variant in disease. Therefore, it has been classified as a Variant of Uncertain Significance.

NM_000138.5(FBN1):c.703T>G (p.Phe235Val)

Gene: FBN1 (fibrillin 1; minus strand). Cytogenetic location: 15q21.1.
Variant type: single nucleotide variant.
Coding change: c.703T>G on transcript NM_000138.5 (MANE Select); coding-DNA position 703, T replaced by G.
Protein change: p.Phe235Val; replaces phenylalanine 235 with valine.
Molecular consequence: missense variant.
Genome position (GRCh38, 1-based): chr15:48,537,644, A>C on the plus strand (T>G on the coding strand, the complement: FBN1 is on the minus strand). VCF-style: chr15-48537644-A-C. GRCh37 (hg19) VCF-style: chr15-48829841-A-C.
Other names: c.703T>G, p.Phe235Val (NM_001406716.1, NM_001406717.1); short protein forms F235V.
Identifiers: ClinVar variation 3762539 (VCV003762539.2).